The following is an entry in ClinVar:

NM_032608.7(MYO18B):c.5590A>G (p.Met1864Val)

Gene: MYO18B (myosin XVIIIB; plus strand). Cytogenetic location: 22q12.1.
Variant type: single nucleotide variant.
Coding change: c.5590A>G on transcript NM_032608.7 (MANE Select); coding-DNA position 5590, A replaced by G.
Protein change: p.Met1864Val; replaces methionine 1864 with valine.
Molecular consequence: missense variant.
Genome position (GRCh38, 1-based): chr22:25,946,209, A>G. VCF-style: chr22-25946209-A-G. GRCh37 (hg19) VCF-style: chr22-26342175-A-G.
Other names: c.5593A>G, p.Met1865Val (NM_001318245.2); c.5590A>G (NM_032608.5); short protein forms M1865V, M1864V.
Identifiers: ClinVar variation 2063101 (VCV002063101.2), dbSNP rs762438884, ClinGen allele CA10161207.

ClinVar aggregate classification (germline): Uncertain significance. Review status: criteria provided, multiple submitters, no conflicts (2 of 4 stars). 2 submissions from 2 submitters: Uncertain significance (2). Last evaluated 2024-01-22.

Conditions:
Inborn genetic diseases. Identifiers: MedGen C0950123, MeSH D030342.

Allele frequency attached by ClinVar (database versions not stated): ExAC 0.00003; TOPMed 0.00005.

Submissions (2):

Ambry Genetics
Classification: Uncertain significance for Inborn genetic diseases. Last evaluated: 2024-01-22. Review status: criteria provided, single submitter. Criteria: Ambry Variant Classification Scheme 2023. Collection method: clinical testing. Allele origin: germline.

Labcorp Genetics (formerly Invitae), Labcorp
Classification: Uncertain significance. Last evaluated: 2022-05-20. Review status: criteria provided, single submitter. Criteria: Invitae Variant Classification Sherloc (09022015). Collection method: clinical testing. Allele origin: germline.
Comment: This sequence change replaces methionine, which is neutral and non-polar, with valine, which is neutral and non-polar, at codon 1864 of the MYO18B protein (p.Met1864Val). The frequency data for this variant in the population databases is considered unreliable, as metrics indicate poor data quality at this position in the gnomAD database. This variant has not been reported in the literature in individuals affected with MYO18B-related conditions. Algorithms developed to predict the effect of missense changes on protein structure and function are either unavailable or do not agree on the potential impact of this missense change (SIFT: "Not Available"; PolyPhen-2: "Benign"; Align-GVGD: "Not Available"). In summary, the available evidence is currently insufficient to determine the role of this variant in disease. Therefore, it has been classified as a Variant of Uncertain Significance.